The following is an entry in ClinVar:

ClinVar aggregate classification (germline): Uncertain significance (1 of 4 stars; one submission).

Conditions:
Antley-Bixler syndrome with genital anomalies and disordered steroidogenesis (ABS1). Also called: POR Deficiency. Identifiers: Orphanet 63269, MedGen C3150099, MONDO:0008726, OMIM 201750.

gnomAD v4.1: 9 of 1,612,460 alleles (0.00056%); highest among the groups gnomAD compares: South Asian, 0.0077%; no homozygotes.

Submission:

Neuberg Centre For Genomic Medicine, NCGM
Classification: Uncertain significance for Antley-Bixler syndrome with genital anomalies and disordered steroidogenesis. Review status: criteria provided, single submitter. Criteria: ACMG Guidelines, 2015. Collection method: clinical testing. Allele origin: germline. Inheritance: Autosomal recessive inheritance. Affected: yes.
Comment: The observed missense variant c.1816A>G(p.Met606Val) in POR gene has not been reported previously as a pathogenic variant nor as a benign variant, to our knowledge. This variant has 0.002% allele frequency in gnomAD Exomes. The amino acid Met at position 606 is changed to a Val changing protein sequence and it might alter its composition and physico-chemical properties. The variant is predicted to be Disease causing by MutationTaster. The reference amino acid p.Met606Val in POR is predicted as conserved by GERP++ and PhyloP across 100 vertebrates. For these reasons, this variant has been classified as Uncertain Significance.

NM_001395413.1(POR):c.1957A>G (p.Met653Val)

Gene: POR (cytochrome p450 oxidoreductase; plus strand). Cytogenetic location: 7q11.23.
Variant type: single nucleotide variant.
Coding change: c.1957A>G on transcript NM_001395413.1 (MANE Select); coding-DNA position 1957, A replaced by G.
Protein change: p.Met653Val; replaces methionine 653 with valine.
Molecular consequence: missense variant.
Genome position (GRCh38, 1-based): chr7:75,986,404, A>G. VCF-style: chr7-75986404-A-G. GRCh37 (hg19) VCF-style: chr7-75615722-A-G.
Other names: c.1957A>G, p.Met653Val (NM_001367562.3, NM_001382657.2, NM_001382658.3 and 1 more transcripts); c.2011A>G, p.Met671Val (NM_001382655.3); c.1807A>G, p.Met603Val (NM_001382662.3); short protein forms M603V, M671V, M653V.
Identifiers: ClinVar variation 3731285 (VCV003731285.1).